The following is an entry in ClinVar:

NM_006231.4(POLE):c.992C>T (p.Pro331Leu)

Gene: POLE (DNA polymerase epsilon, catalytic subunit; minus strand). Cytogenetic location: 12q24.33.
Variant type: single nucleotide variant.
Coding change: c.992C>T on transcript NM_006231.4 (MANE Select); coding-DNA position 992, C replaced by T.
Protein change: p.Pro331Leu; replaces proline 331 with leucine.
Molecular consequence: missense variant.
Genome position (GRCh38, 1-based): chr12:132,676,122, G>A on the plus strand (C>T on the coding strand, the complement: POLE is on the minus strand). VCF-style: chr12-132676122-G-A. GRCh37 (hg19) VCF-style: chr12-133252708-G-A.
Other names: short protein forms P331L.
Identifiers: ClinVar variation 486951 (VCV000486951.15), dbSNP rs1440925386, ClinGen allele CA387363567.

ClinVar aggregate classification (germline): Uncertain significance. Review status: criteria provided, multiple submitters, no conflicts (2 of 4 stars). 2 submissions from 2 submitters: Uncertain significance (2). Last evaluated 2026-01-08.

Conditions:
Hereditary cancer-predisposing syndrome. Also called: Tumor predisposition; Hereditary Cancer Syndrome; Neoplastic Syndromes, Hereditary; Hereditary neoplastic syndrome. Identifiers: Orphanet 140162, MedGen C0027672, MeSH D009386, MONDO:0015356.

Allele frequency attached by ClinVar (database versions not stated): gnomAD exomes below 0.00001; TOPMed below 0.00001.
gnomAD v4.1: 1 of 1,610,886 alleles (0.000062%); highest among the groups gnomAD compares: East Asian, 0.0022%; no homozygotes.

Submissions (2):

Ambry Genetics
Classification: Uncertain significance for Hereditary cancer-predisposing syndrome. Last evaluated: 2026-01-08. Review status: criteria provided, single submitter. Criteria: Ambry Variant Classification Scheme 2023. Collection method: clinical testing. Allele origin: germline.
Comment: The p.P331L variant (also known as c.992C>T), located in coding exon 10 of the POLE gene, results from a C to T substitution at nucleotide position 992. The proline at codon 331 is replaced by leucine, an amino acid with similar properties. This amino acid position is highly conserved in available vertebrate species. In addition, this alteration is predicted to be tolerated by in silico analysis. Based on the available evidence, the clinical significance of this variant remains unclear.

Labcorp Genetics (formerly Invitae), Labcorp
Classification: Uncertain significance. Last evaluated: 2025-12-08. Review status: criteria provided, single submitter. Criteria: Invitae Variant Classification Sherloc (09022015). Collection method: clinical testing. Allele origin: germline.
Comment: This sequence change replaces proline, which is neutral and non-polar, with leucine, which is neutral and non-polar, at codon 331 of the POLE protein (p.Pro331Leu). This variant is present in population databases (no rsID available, gnomAD 0.003%). This variant has not been reported in the literature in individuals affected with POLE-related conditions. ClinVar contains an entry for this variant (Variation ID: 486951). Invitae Evidence Modeling of protein sequence and biophysical properties (such as structural, functional, and spatial information, amino acid conservation, physicochemical variation, residue mobility, and thermodynamic stability) indicates that this missense variant is not expected to disrupt POLE protein function with a negative predictive value of 80%. In summary, the available evidence is currently insufficient to determine the role of this variant in disease. Therefore, it has been classified as a Variant of Uncertain Significance.